The following is an entry in ClinVar:

NM_000051.4(ATM):c.7089+3A>G

Genes: ATM (ATM serine/threonine kinase; plus strand), C11orf65 (chromosome 11 open reading frame 65; minus strand). Cytogenetic location: 11q22.3.
Variant type: single nucleotide variant.
Coding change: c.7089+3A>G on transcript NM_000051.4 (MANE Select); 3 bases into the intron after coding-DNA position 7089, A replaced by G.
Molecular consequence: intron variant.
Genome position (GRCh38, 1-based): chr11:108,327,761, A>G. VCF-style: chr11-108327761-A-G. GRCh37 (hg19) VCF-style: chr11-108198488-A-G.
Other names: c.7089+3A>G (NM_001351834.2); c.641-18690T>C (NM_001330368.2); c.*38+7459T>C (NM_001351110.2).
Identifiers: ClinVar variation 579751 (VCV000579751.13), dbSNP rs1565524203, ClinGen allele CA891842659.

ClinVar aggregate classification (germline): Uncertain significance. Review status: reviewed by expert panel (3 of 4 stars). 5 submissions from 5 submitters: Uncertain significance (1). 4 of the submissions do not count toward it. Last evaluated 2026-06-19.

Conditions:
Hereditary cancer-predisposing syndrome. Also called: Hereditary Cancer Syndrome; Neoplastic Syndromes, Hereditary; Tumor predisposition; Hereditary neoplastic syndrome. Identifiers: Orphanet 140162, MedGen C0027672, MeSH D009386, MONDO:0015356.
ATM-related cancer predisposition. Also called: ATM-related cancer susceptibility. Identifiers: MedGen CN377759, MONDO:0700270.
Ataxia-telangiectasia syndrome (AT). Also called: Cerebello-oculocutaneous telangiectasia; Immunodeficiency with ataxia telangiectasia; Ataxia-telangiectasia, complementation group E; Ataxia-telangiectasia, complementation group D; AT, COMPLEMENTATION GROUP C; ATAXIA-TELANGIECTASIA, COMPLEMENTATION GROUP A. Identifiers: Orphanet 100, MedGen C0004135, MONDO:0008840, OMIM 208900.

Allele frequency attached by ClinVar (database versions not stated): gnomAD exomes below 0.00001.
gnomAD v4.1: 2 of 1,609,546 alleles (0.00012%); highest among the groups gnomAD compares: South Asian, 0.0011%; no homozygotes.

Submissions (5):

ClinGen Hereditary Breast, Ovarian and Pancreatic Cancer Variant Curation Expert Panel, ClinGen
Classification: Uncertain significance for ATM-related cancer predisposition. Last evaluated: 2026-06-19. Review status: reviewed by expert panel. Criteria: ClinGen HBOP ACMG Specifications ATM V1.5.0. Collection method: curation. Allele origin: germline. Inheritance: Autosomal dominant inheritance.
Comment: The c.7089+3A>G variant in ATM is an intronic variant which occurs within the splice donor region. The highest population minor allele frequency in gnomAD v4.1.1 is 0.000011 in South Asian population (PM2_Supporting, BS1, and BA1 are not met). The computational splicing predictor SpliceAI gives a score of 0.02 for donor loss suggesting that the variant has no impact on splicing. In summary, this variant meets the criteria to be classified as a variant of uncertain significance for autosomal dominant ATM-related cancer predisposition and autosomal recessive Ataxia-Telangiectasia based on the ACMG/AMP criteria applied, as specified by the HBOP VCEP. (BP4)

Labcorp Genetics (formerly Invitae), Labcorp
Classification: Uncertain significance for Ataxia-telangiectasia syndrome. Last evaluated: 2025-09-15. Review status: criteria provided, single submitter. Criteria: Invitae Variant Classification Sherloc (09022015). Collection method: clinical testing. Allele origin: germline. Not counted in ClinVar's aggregate classification.
Comment: This sequence change falls in intron 48 of the ATM gene. It does not directly change the encoded amino acid sequence of the ATM protein. It affects a nucleotide within the consensus splice site. This variant is not present in population databases (gnomAD no frequency). This variant has been observed in individual(s) with breast cancer (PMID: 31465090). ClinVar contains an entry for this variant (Variation ID: 579751). Variants that disrupt the consensus splice site are a relatively common cause of aberrant splicing (PMID: 17576681, 9536098). RNA analysis performed to evaluate the impact of this variant on mRNA splicing indicates it does not significantly alter splicing (internal data). In summary, the available evidence is currently insufficient to determine the role of this variant in disease. Therefore, it has been classified as a Variant of Uncertain Significance.

Ambry Genetics
Classification: Uncertain significance for Hereditary cancer-predisposing syndrome. Last evaluated: 2024-04-16. Review status: criteria provided, single submitter. Criteria: Ambry Variant Classification Scheme 2023. Collection method: clinical testing. Allele origin: germline. Not counted in ClinVar's aggregate classification.
Comment: The c.7089+3A>G intronic variant results from an A to G substitution 3 nucleotides after coding exon 47 in the ATM gene. This variant was identified in a cohort of individuals diagnosed with metastatic breast cancer who underwent germline testing of 30 genes (Stuttgen K et al. JAMA Oncol, 2019 Oct;5:1506-1508). This nucleotide position is well conserved in available vertebrate species. In silico splice site analysis predicts that this alteration will not have any significant effect on splicing. Based on the available evidence, the clinical significance of this variant remains unclear.

Genetic Services Laboratory, University of Chicago
Classification: Uncertain significance. Last evaluated: 2023-06-15. Review status: criteria provided, single submitter. Criteria: ACMG Guidelines, 2015. Collection method: clinical testing. Allele origin: germline. Affected: no. Not counted in ClinVar's aggregate classification.
Comment: DNA sequence analysis of the ATM gene demonstrated a sequence change in intron 48, c.7089+3A>G. This change has been previously described in an individual with breast cancer (PMID: 31465090). This sequence change has not been described in population databases such as ExAC and gnomAD This sequence change is not predicted to have a deleterious effect on splicing based on in-silico splice prediction programs. It is possible that this sequence change represents a benign sequence change in the ATM gene that has not been identified to date. The functional significance of this sequence change is not known at present and its contribution to this individual's disease phenotype cannot definitively be determined.

Color Diagnostics, LLC DBA Color Health
Classification: Uncertain significance for Hereditary cancer-predisposing syndrome. Last evaluated: 2018-12-05. Review status: criteria provided, single submitter. Criteria: ACMG Guidelines, 2015. Collection method: clinical testing. Allele origin: germline. Not counted in ClinVar's aggregate classification.

Literature cited by the submitters: PubMed 31465090 (cited by Labcorp Genetics (formerly Invitae), Labcorp and Ambry Genetics); PubMed 17576681 (cited by Labcorp Genetics (formerly Invitae), Labcorp); PubMed 9536098 (cited by Labcorp Genetics (formerly Invitae), Labcorp).